The following is an entry in ClinVar:

NM_003906.5(MCM3AP):c.704_708del (p.Lys235fs)

Gene: MCM3AP (minichromosome maintenance complex component 3 associated protein; minus strand). Cytogenetic location: 21q22.3.
Variant type: Microsatellite.
Coding change: c.704_708del on transcript NM_003906.5 (MANE Select); coding-DNA positions 704 to 708, 5 bases deleted (AGAGA; older notation c.704_708delAGAGA).
Protein change: p.Lys235fs; shifts the reading frame from lysine 235.
Molecular consequence: frameshift variant.
Genome position (GRCh38, 1-based): chr21:46,284,579-46,284,583, TCTCT deleted on the plus strand (AGAGA on the coding strand, the reverse complement: MCM3AP is on the minus strand); deleting any 5 consecutive bases within chr21:46,284,579-46,284,590 gives the same sequence; the c. name uses the placement nearest the transcript's 3' end. VCF-style (leftmost placement, unchanged base first): chr21-46284578-CTCTCT-C. GRCh37 (hg19) VCF-style: chr21-47704492-CTCTCT-C.
Other names: short protein forms K235fs.
Identifiers: ClinVar variation 2581662 (VCV002581662.1), dbSNP rs2517438518, ClinGen allele CA2582342729.

ClinVar aggregate classification (germline): Pathogenic (1 of 4 stars; one submission).

Conditions:
Peripheral neuropathy, autosomal recessive, with or without impaired intellectual development. Identifiers: MedGen C4748283, MONDO:0029131, OMIM 618124.

Submission:

Women's Health and Genetics/Laboratory Corporation of America, LabCorp
Classification: Pathogenic for Peripheral neuropathy, autosomal recessive, with or without impaired intellectual development. Last evaluated: 2023-08-11. Review status: criteria provided, single submitter. Criteria: LabCorp Variant Classification Summary - May 2015. Collection method: clinical testing. Allele origin: germline.
Comment: Variant summary: MCM3AP c.704_708delAGAGA (p.Lys235ArgfsX3) results in a premature termination codon, predicted to cause absence of the protein due to nonsense mediated decay, which is a commonly known mechanism for disease. The variant was absent in 251408 control chromosomes (gnomAD). To our knowledge, no occurrence of c.704_708delAGAGA in individuals affected with Peripheral Neuropathy, Autosomal Recessive, With Or Without Impaired Intellectual Development and no experimental evidence demonstrating its impact on protein function have been reported. No submitters have cited clinical-significance assessments for this variant to ClinVar after 2014. Based on the evidence outlined above, the variant was classified as pathogenic.